The following is an entry in ClinVar:

NM_170707.4(LMNA):c.1158-1G>T

Gene: LMNA (lamin A/C; plus strand). Cytogenetic location: 1q22.
Variant type: single nucleotide variant.
Coding change: c.1158-1G>T on transcript NM_170707.4 (MANE Select); the canonical splice acceptor site of the intron before coding-DNA position 1158, G replaced by T.
Molecular consequence: splice acceptor variant.
Genome position (GRCh38, 1-based): chr1:156,136,213, G>T. VCF-style: chr1-156136213-G-T. GRCh37 (hg19) VCF-style: chr1-156106004-G-T.
Other names: c.1158-1G>T (NM_001406985.1, NM_001282626.2, NM_170708.4 and 6 more transcripts); c.534-1G>T (NM_001407001.1, NM_001406999.1, NM_001407000.1 and 1 more transcripts); c.600-1G>T (NM_001406995.1, NM_001406990.1, NM_001406996.1 and 4 more transcripts); c.915-1G>T (NM_001406987.1, NM_001282624.2, NM_001406986.1); c.822-1G>T (NM_001406989.1, NM_001257374.3, NM_001406998.1); c.861-1G>T (NM_001406988.1).
Identifiers: ClinVar variation 846468 (VCV000846468.10), dbSNP rs1651598289, ClinGen allele CA342820746.

ClinVar aggregate classification (germline): Likely pathogenic (1 of 4 stars; one submission).

Conditions:
Charcot-Marie-Tooth disease type 2. Also called: Charcot-Marie-Tooth type 2. Identifiers: Orphanet 64746, MedGen C0270914, MONDO:0018993.

Submission:

Labcorp Genetics (formerly Invitae), Labcorp
Classification: Likely pathogenic for Charcot-Marie-Tooth disease type 2. Last evaluated: 2019-12-13. Review status: criteria provided, single submitter. Criteria: Invitae Variant Classification Sherloc (09022015). Collection method: clinical testing. Allele origin: germline.
Comment: In summary, the currently available evidence indicates that the variant is pathogenic, but additional data are needed to prove that conclusively. Therefore, this variant has been classified as Likely Pathogenic. Donor and acceptor splice site variants typically lead to a loss of protein function (PMID: 16199547), and loss-of-function variants in LMNA are known to be pathogenic (PMID: 18585512, 18926329). Algorithms developed to predict the effect of sequence changes on RNA splicing suggest that this variant may disrupt the consensus splice site, but this prediction has not been confirmed by published transcriptional studies. This variant has been observed in individual(s) with limb-girdle muscular dystrophy (Invitae). This variant is not present in population databases (ExAC no frequency). This sequence change affects an acceptor splice site in intron 6 of the LMNA gene. It is expected to disrupt RNA splicing and likely results in an absent or disrupted protein product.

Literature cited by the submitters: PubMed 16199547; PubMed 18585512; PubMed 18926329.